The following is an entry in ClinVar:

ClinVar aggregate classification (germline): Uncertain significance (1 of 4 stars; one submission).

Conditions:
Hereditary cancer-predisposing syndrome. Also called: Neoplastic Syndromes, Hereditary; Tumor predisposition; Hereditary Cancer Syndrome; Hereditary neoplastic syndrome. Identifiers: Orphanet 140162, MedGen C0027672, MeSH D009386, MONDO:0015356.

Submission:

Ambry Genetics
Classification: Uncertain significance for Hereditary cancer-predisposing syndrome. Last evaluated: 2018-04-04. Review status: criteria provided, single submitter. Criteria: Ambry Variant Classification Scheme 2023. Collection method: clinical testing. Allele origin: germline.
Comment: The c.3262_3264delTTCinsCTT variant (also known as p.F1088L), located in coding exon 5 of the MSH6 gene, results from an in-frame deletion of TTC and insertion of CTT at nucleotide positions 3262 to 3264. This results in the substitution of the phenylalanine residue for a leucine residue at codon 1088, an amino acid with highly similar properties. This amino acid position is highly conserved in available vertebrate species. In addition, the CoDP in silico tool predicts this alteration to have minor impact on molecular function, with a score of 0.383 (Terui H et al. J. Biomed. Sci. 2013 Apr;20:25). Since supporting evidence is limited at this time, the clinical significance of this alteration remains unclear.

NM_000179.3(MSH6):c.3262_3264delinsCTT (p.Phe1088Leu)

Gene: MSH6 (mutS homolog 6; plus strand). Cytogenetic location: 2p16.3.
Variant type: Indel.
Coding change: c.3262_3264delinsCTT on transcript NM_000179.3 (MANE Select); coding-DNA positions 3262 to 3264, TTC replaced by CTT.
Protein change: p.Phe1088Leu; replaces phenylalanine 1088 with leucine.
Molecular consequence: missense variant.
Genome position (GRCh38, 1-based): chr2:47,803,509-47,803,511, TTC replaced by CTT. VCF-style: chr2-47803509-TTC-CTT. GRCh37 (hg19) VCF-style: chr2-48030648-TTC-CTT.
Other names: c.2872_2874delinsCTT, p.Phe958Leu (NM_001281492.2); c.2356_2358delinsCTT, p.Phe786Leu (NM_001281493.2, NM_001281494.2); c.3358_3360delTTCinsCTT, p.Phe1120Leu (NM_001406795.1, NM_001406802.1); c.3262_3264delTTCinsCTT, p.Phe1088Leu (NM_001406796.1, NM_001406800.1, NM_001406808.1 and 1 more transcripts); c.2965_2967delTTCinsCTT, p.Phe989Leu (NM_001406797.1, NM_001406801.1, NM_001406805.1 and 10 more transcripts); c.2737_2739delTTCinsCTT, p.Phe913Leu (NM_001406799.1, NM_001406806.1, NM_001406807.1); c.2398_2400delTTCinsCTT, p.Phe800Leu (NM_001406803.1); c.3184_3186delTTCinsCTT, p.Phe1062Leu (NM_001406804.1); and 7 more; short protein forms F1120L, F403L, F913L, F958L, F989L, F37L, F1032L, F1088L.
Identifiers: ClinVar variation 1729541 (VCV001729541.2), dbSNP rs2530764124, ClinGen allele CA2580067019.